The following is an entry in ClinVar:

NM_003365.3(UQCRC1):c.302C>T (p.Thr101Ile)

Gene: UQCRC1 (ubiquinol-cytochrome c reductase core protein 1; minus strand). Cytogenetic location: 3p21.31.
Variant type: single nucleotide variant.
Coding change: c.302C>T on transcript NM_003365.3 (MANE Select); coding-DNA position 302, C replaced by T.
Protein change: p.Thr101Ile; replaces threonine 101 with isoleucine.
Molecular consequence: missense variant.
Genome position (GRCh38, 1-based): chr3:48,604,776, G>A on the plus strand (C>T on the coding strand, the complement: UQCRC1 is on the minus strand). VCF-style: chr3-48604776-G-A. GRCh37 (hg19) VCF-style: chr3-48642209-G-A.
Other names: c.302C>T (NM_003365.2); short protein forms T101I.
Identifiers: ClinVar variation 1676548 (VCV001676548.4), dbSNP rs897575365, ClinGen allele CA73974754.

ClinVar aggregate classification (germline): Uncertain significance. Review status: criteria provided, multiple submitters, no conflicts (2 of 4 stars). 2 submissions from 2 submitters: Uncertain significance (2). Last evaluated 2025-04-24.

gnomAD v4.1: 41 of 1,613,910 alleles (0.0025%); highest among the groups gnomAD compares: Non-Finnish European, 0.0034%; no homozygotes.

Submissions (2):

Ambry Genetics
Classification: Uncertain significance. Last evaluated: 2025-04-24. Review status: criteria provided, single submitter. Criteria: Ambry Variant Classification Scheme 2023. Collection method: clinical testing. Allele origin: germline.

Greenwood Genetic Center Diagnostic Laboratories, Greenwood Genetic Center
Classification: Uncertain significance. Last evaluated: 2022-01-24. Review status: criteria provided, single submitter. Criteria: ACMG Guidelines, 2015. Collection method: clinical testing. Allele origin: germline. Affected: yes.
Comment: PP3, PM2